The following is an entry in ClinVar:

ClinVar aggregate classification (germline): Uncertain significance (1 of 4 stars; one submission).

gnomAD v4.1: 1 of 1,612,864 alleles (0.000062%); highest among the groups gnomAD compares: Non-Finnish European, 0.000085%; no homozygotes.

Submission:

Ambry Genetics
Classification: Uncertain significance. Last evaluated: 2024-11-10. Review status: criteria provided, single submitter. Criteria: Ambry Variant Classification Scheme 2023. Collection method: clinical testing. Allele origin: germline.
Comment: The p.D180E variant (also known as c.540C>G), located in coding exon 1 of the EGLN2 gene, results from a C to G substitution at nucleotide position 540. The aspartic acid at codon 180 is replaced by glutamic acid, an amino acid with highly similar properties. This amino acid position is conserved. In addition, this alteration is predicted to be tolerated by in silico analysis. Based on the available evidence, the clinical significance of this variant remains unclear.

NM_080732.4(EGLN2):c.540C>G (p.Asp180Glu)

Genes: EGLN2 (egl-9 family hypoxia inducible factor 2; plus strand), RAB4B-EGLN2 (RAB4B-EGLN2 readthrough (NMD candidate); plus strand). Cytogenetic location: 19q13.2.
Variant type: single nucleotide variant.
Coding change: c.540C>G on transcript NM_080732.4 (MANE Select); coding-DNA position 540, C replaced by G.
Protein change: p.Asp180Glu; replaces aspartic acid 180 with glutamic acid.
Molecular consequence: missense variant. On other transcripts: non-coding transcript variant (1).
Genome position (GRCh38, 1-based): chr19:40,801,112, C>G. VCF-style: chr19-40801112-C-G. GRCh37 (hg19) VCF-style: chr19-41307017-C-G.
Other names: c.540C>G, p.Asp180Glu (NM_053046.4); short protein forms D180E.
Identifiers: ClinVar variation 3507302 (VCV003507302.1).